The following is an entry in ClinVar:

ClinVar aggregate classification (germline): Uncertain significance (1 of 4 stars; one submission).

Submission:

Labcorp Genetics (formerly Invitae), Labcorp
Classification: Uncertain significance. Last evaluated: 2022-09-07. Review status: criteria provided, single submitter. Criteria: Invitae Variant Classification Sherloc (09022015). Collection method: clinical testing. Allele origin: germline.
Comment: This sequence change replaces lysine, which is basic and polar, with glutamic acid, which is acidic and polar, at codon 138 of the TMEM38B protein (p.Lys138Glu). This variant is not present in population databases (gnomAD no frequency). This variant has not been reported in the literature in individuals affected with TMEM38B-related conditions. ClinVar contains an entry for this variant (Variation ID: 1350418). Algorithms developed to predict the effect of missense changes on protein structure and function (SIFT, PolyPhen-2, Align-GVGD) all suggest that this variant is likely to be tolerated. In summary, the available evidence is currently insufficient to determine the role of this variant in disease. Therefore, it has been classified as a Variant of Uncertain Significance.

NM_018112.3(TMEM38B):c.412A>G (p.Lys138Glu)

Gene: TMEM38B (transmembrane protein 38B; plus strand). Cytogenetic location: 9q31.2.
Variant type: single nucleotide variant.
Coding change: c.412A>G on transcript NM_018112.3 (MANE Select); coding-DNA position 412, A replaced by G.
Protein change: p.Lys138Glu; replaces lysine 138 with glutamic acid.
Molecular consequence: missense variant.
Genome position (GRCh38, 1-based): chr9:105,721,679, A>G. VCF-style: chr9-105721679-A-G. GRCh37 (hg19) VCF-style: chr9-108483960-A-G.
Other names: short protein forms K138E.
Identifiers: ClinVar variation 1350418 (VCV001350418.8), dbSNP rs2133577178, ClinGen allele CA374380384.
Genomic context (GRCh38, chr9:105,721,679, plus strand): 5'-AAGGAAGTGACCAGAACTTGGAAAATAGTAGGTGGAGTCACACATGCTAATAGCTATTAC[A>G]AAAATGGCTGGATAGTCATGATAGCTATTGGATGGGCCCGAGGTAATATTGACAATATGT-3'
Protein context (NP_060582.1, residues 128-148): GGVTHANSYY[Lys138Glu]NGWIVMIAIG